The following is an entry in ClinVar:

ClinVar aggregate classification (germline): Likely pathogenic (1 of 4 stars; one submission).

Conditions:
Joubert syndrome. Also called: CEREBELLOPARENCHYMAL DISORDER IV; JOUBERT-BOLTSHAUSER SYNDROME; Familial aplasia of the vermis. Identifiers: Orphanet 475, MedGen C5979921, MONDO:0018772.
Meckel-Gruber syndrome. Also called: DYSENCEPHALIA SPLANCHNOCYSTICA; GRUBER SYNDROME; Dysencephalia splachnocystica. Identifiers: Orphanet 564, MedGen C0265215, MONDO:0018921.

Submission:

Labcorp Genetics (formerly Invitae), Labcorp
Classification: Likely pathogenic for Joubert syndrome; Meckel-Gruber syndrome. Last evaluated: 2023-11-13. Review status: criteria provided, single submitter. Criteria: Invitae Variant Classification Sherloc (09022015). Collection method: clinical testing. Allele origin: germline.
Comment: This sequence change affects an acceptor splice site in intron 11 of the RPGRIP1L gene. It is expected to disrupt RNA splicing. Variants that disrupt the donor or acceptor splice site typically lead to a loss of protein function (PMID: 16199547), and loss-of-function variants in RPGRIP1L are known to be pathogenic (PMID: 17558409). This variant is not present in population databases (gnomAD no frequency). This variant has not been reported in the literature in individuals affected with RPGRIP1L-related conditions. Algorithms developed to predict the effect of sequence changes on RNA splicing suggest that this variant may disrupt the consensus splice site. In summary, the currently available evidence indicates that the variant is pathogenic, but additional data are needed to prove that conclusively. Therefore, this variant has been classified as Likely Pathogenic.

Literature cited by the submitters: PubMed 16199547; PubMed 17558409.

NM_015272.5(RPGRIP1L):c.1351-2A>C

Gene: RPGRIP1L (RPGRIP1 like; minus strand). Cytogenetic location: 16q12.2.
Variant type: single nucleotide variant.
Coding change: c.1351-2A>C on transcript NM_015272.5 (MANE Select); the canonical splice acceptor site of the intron before coding-DNA position 1351, A replaced by C.
Molecular consequence: splice acceptor variant.
Genome position (GRCh38, 1-based): chr16:53,658,466, T>G on the plus strand (A>C on the coding strand, the complement: RPGRIP1L is on the minus strand). VCF-style: chr16-53658466-T-G. GRCh37 (hg19) VCF-style: chr16-53692378-T-G.
Other names: c.1351-2A>C (NM_001127897.4, NM_001330538.2, NM_001308334.3).
Identifiers: ClinVar variation 2953831 (VCV002953831.3), dbSNP rs2544300648, ClinGen allele CA395920027.